The following is an entry in ClinVar:

ClinVar aggregate classification (germline): Uncertain significance. Review status: criteria provided, multiple submitters, no conflicts (2 of 4 stars). 2 submissions from 2 submitters: Uncertain significance (2). Last evaluated 2025-08-12.

Conditions:
Inborn genetic diseases. Identifiers: MedGen C0950123, MeSH D030342.

Allele frequency attached by ClinVar (database versions not stated): gnomAD exomes 0.00001; TOPMed 0.00001.
gnomAD v4.1: 13 of 1,614,154 alleles (0.00081%); highest among the groups gnomAD compares: Non-Finnish European, 0.00093%; no homozygotes.

Submissions (2):

Ambry Genetics
Classification: Uncertain significance for Inborn genetic diseases. Last evaluated: 2025-08-12. Review status: criteria provided, single submitter. Criteria: Ambry Variant Classification Scheme 2023. Collection method: clinical testing. Allele origin: germline.

Labcorp Genetics (formerly Invitae), Labcorp
Classification: Uncertain significance. Last evaluated: 2022-05-22. Review status: criteria provided, single submitter. Criteria: Invitae Variant Classification Sherloc (09022015). Collection method: clinical testing. Allele origin: germline.
Comment: In summary, the available evidence is currently insufficient to determine the role of this variant in disease. Therefore, it has been classified as a Variant of Uncertain Significance. Advanced modeling of protein sequence and biophysical properties (such as structural, functional, and spatial information, amino acid conservation, physicochemical variation, residue mobility, and thermodynamic stability) performed at Invitae indicates that this missense variant is not expected to disrupt FAT4 protein function. This variant has not been reported in the literature in individuals affected with FAT4-related conditions. This variant is not present in population databases (gnomAD no frequency). This sequence change replaces serine, which is neutral and polar, with asparagine, which is neutral and polar, at codon 4627 of the FAT4 protein (p.Ser4627Asn).

NM_001291303.3(FAT4):c.13886G>A (p.Ser4629Asn)

Gene: FAT4 (FAT atypical cadherin 4; plus strand). Cytogenetic location: 4q28.1.
Variant type: single nucleotide variant.
Coding change: c.13886G>A on transcript NM_001291303.3 (MANE Select); coding-DNA position 13886, G replaced by A.
Protein change: p.Ser4629Asn; replaces serine 4629 with asparagine.
Molecular consequence: missense variant.
Genome position (GRCh38, 1-based): chr4:125,490,702, G>A. VCF-style: chr4-125490702-G-A. GRCh37 (hg19) VCF-style: chr4-126411857-G-A.
Other names: c.13880G>A (NM_024582.4); c.13883G>A, p.Ser4628Asn (NM_001291285.3); c.13880G>A, p.Ser4627Asn (NM_024582.6); short protein forms S4627N, S4629N, S4628N.
Identifiers: ClinVar variation 2059088 (VCV002059088.4), dbSNP rs931192612, ClinGen allele CA104876396.